The following is an entry in ClinVar:

ClinVar aggregate classification (germline): Pathogenic. Review status: criteria provided, multiple submitters, no conflicts (2 of 4 stars). 2 submissions from 2 submitters: Pathogenic (2). Last evaluated 2021-09-01.

Conditions:
Intellectual developmental disorder, autosomal dominant 45. Also called: Intellectual disability, autosomal dominant 45; MENTAL RETARDATION, AUTOSOMAL DOMINANT 45. Identifiers: MedGen C4539848, MONDO:0030910, OMIM 617600.
Inborn genetic diseases. Identifiers: MedGen C0950123, MeSH D030342.

Submissions (2):

Ambry Genetics
Classification: Pathogenic for Inborn genetic diseases. Last evaluated: 2021-09-01. Review status: criteria provided, single submitter. Criteria: Ambry Variant Classification Scheme 2023. Collection method: clinical testing. Allele origin: germline.
Comment: The c.452+1G>T intronic variant results from a G to T substitution one nucleotide after coding exon 3 of the CIC gene. Alterations that disrupt the canonical splice site are expected to cause aberrant splicing, resulting in an abnormal protein or a transcript that is subject to nonsense-mediated mRNA decay. This variant was not reported in population-based cohorts in the Genome Aggregation Database (gnomAD). This nucleotide position is highly conserved in available vertebrate species. In silico splice site analysis predicts that this alteration will weaken the native splice donor site. Based on the available evidence, this alteration is classified as pathogenic.

Kids Neuroscience Centre, Sydney Children's Hospitals Network
Classification: Pathogenic for Intellectual developmental disorder, autosomal dominant 45. Review status: criteria provided, single submitter. Criteria: Bournazos AM et al. (Genet Med 2021). Collection method: clinical testing. Allele origin: de novo. Inheritance: Autosomal dominant inheritance. Affected: yes. Observed: 1 heterozygote.
Comment: Detected one abnormal splicing event induced by the c.452+1G>T variant, use of a cryptic 5’-splice site in exon 3 (r.359_452del). This event causes a frameshift encoding 53 missense amino acids and a premature termination codon (p.(Gly120Alafs*54)). These transcripts are predicted to be targeted by NMD. Any mis-spliced transcripts that escape NMD encode CIC protein lacking 1,489 amino acids from the C-terminus, including the high mobility group box domain.

NM_001386298.1(CIC):c.3179+1G>T

Gene: CIC (capicua transcriptional repressor; plus strand). Cytogenetic location: 19q13.2.
Variant type: single nucleotide variant.
Coding change: c.3179+1G>T on transcript NM_001386298.1 (MANE Select); the canonical splice donor site of the intron after coding-DNA position 3179, G replaced by T.
Molecular consequence: splice donor variant.
Genome position (GRCh38, 1-based): chr19:42,287,241, G>T. VCF-style: chr19-42287241-G-T. GRCh37 (hg19) VCF-style: chr19-42791393-G-T.
Other names: c.3179+1G>T (NM_001304815.2, NM_001379482.1, NM_001379480.1); c.452+1G>T (NM_015125.5, NM_001379484.1, NM_001379485.1).
Identifiers: ClinVar variation 1064629 (VCV001064629.6), dbSNP rs2147185256, ClinGen allele CA406097175.